The following is an entry in ClinVar:

NM_002047.4(GARS1):c.1761G>A (p.Thr587=)

Gene: GARS1 (glycyl-tRNA synthetase 1; plus strand). Cytogenetic location: 7p14.3.
Variant type: single nucleotide variant.
Coding change: c.1761G>A on transcript NM_002047.4 (MANE Select); coding-DNA position 1761, G replaced by A.
Protein change: p.Thr587=; no amino-acid change (threonine 587 retained).
Molecular consequence: synonymous variant.
Genome position (GRCh38, 1-based): chr7:30,628,621, G>A. VCF-style: chr7-30628621-G-A. GRCh37 (hg19) VCF-style: chr7-30668237-G-A.
Other names: p.Thr587=; c.1761G>A (LRG_243t1); c.1599G>A, p.Thr533= (NM_001316772.1).
Identifiers: ClinVar variation 360015 (VCV000360015.28), dbSNP rs3886641, ClinGen allele CA4206069.

ClinVar aggregate classification (germline): Benign. Review status: criteria provided, multiple submitters, no conflicts (2 of 4 stars). 9 submissions from 7 submitters: Benign (9). Last evaluated 2026-02-02.

Conditions:
Distal spinal muscular atrophy. Also called: Distal hereditary motor neuropathy; Distal hereditary motor neuronopathy. Identifiers: Orphanet 53739, MedGen C0393541, MONDO:0018894.
Charcot-Marie-Tooth disease type 2. Also called: Charcot-Marie-Tooth type 2. Identifiers: Orphanet 64746, MedGen C0270914, MONDO:0018993.
Neuronopathy, distal hereditary motor, type 5A (HMND5). Also called: Distal Spinal Muscular Atrophy V; Distal Spinal Muscular Atrophy V (dSMA-V); NEURONOPATHY, DISTAL HEREDITARY MOTOR, AUTOSOMAL DOMINANT 5; DHMN VA. Identifiers: Orphanet 139536, MedGen CN031873, MONDO:0015353, OMIM 600794.
Charcot-Marie-Tooth disease. Also called: Charcot-Marie-Tooth Neuropathy; Charcot-Marie-Tooth Hereditary Neuropathy. Identifiers: Orphanet 166, MedGen C0007959, MONDO:0015626.
Charcot-Marie-Tooth disease type 2D (CMT2D). Also called: Charcot-Marie-Tooth Neuropathy Type 2D; GARS1 Adolescent- or Early Adult-Onset Hereditary Motor/Sensory Neuropathy (GARS1-HMSN); CHARCOT-MARIE-TOOTH DISEASE, AXONAL, TYPE 2D; CHARCOT-MARIE-TOOTH DISEASE, NEURONAL, TYPE 2D. Identifiers: Orphanet 99938, MedGen C1832274, MONDO:0011091, OMIM 601472.

Allele frequency attached by ClinVar (database versions not stated): gnomAD exomes 0.00146 and 0.00395; ExAC 0.00501; gnomAD 0.01426 and 0.01523; ESP Exome Variant Server 0.01518; 1000 Genomes Project 0.01577; TOPMed 0.01641; 1000 Genomes Project 30x 0.01655.
gnomAD v4.1: 4,395 of 1,612,726 alleles (0.27%); highest among the groups gnomAD compares: African/African-American, 5%; 113 homozygotes.

Submissions (9):

Labcorp Genetics (formerly Invitae), Labcorp
Classification: Benign for Charcot-Marie-Tooth disease type 2. Last evaluated: 2026-02-02. Review status: criteria provided, single submitter. Criteria: Invitae Variant Classification Sherloc (09022015). Collection method: clinical testing. Allele origin: germline.

ARUP Laboratories, Molecular Genetics and Genomics, ARUP Laboratories
Classification: Benign. Last evaluated: 2025-07-09. Review status: criteria provided, single submitter. Criteria: ARUP Molecular Germline Variant Investigation Process 2024. Collection method: clinical testing. Allele origin: germline.

Athena Diagnostics
Classification: Benign. Last evaluated: 2024-06-27. Review status: criteria provided, single submitter. Criteria: Athena Diagnostics Criteria. Collection method: clinical testing. Allele origin: unknown.

Mayo Clinic Laboratories, Mayo Clinic
Classification: Benign. Last evaluated: 2019-12-06. Review status: criteria provided, single submitter. Criteria: ACMG Guidelines, 2015. Collection method: clinical testing. Allele origin: germline. Observed: 17 variant alleles.

Illumina Laboratory Services, Illumina
Classification: Benign for Charcot-Marie-Tooth disease type 2D. Last evaluated: 2018-01-12. Review status: criteria provided, single submitter. Criteria: ICSL Variant Classification Criteria 13 December 2019. Collection method: clinical testing. Allele origin: germline.
Comment: This variant was observed in the ICSL laboratory as part of a predisposition screen in an ostensibly healthy population. It had not been previously curated by ICSL or reported in the Human Gene Mutation Database (HGMD: prior to June 1st, 2018), and was therefore a candidate for classification through an automated scoring system. Utilizing variant allele frequency, disease prevalence and penetrance estimates, and inheritance mode, an automated score was calculated to assess if this variant is too frequent to cause the disease. Based on the score and internal cut-off values, a variant classified as benign is not then subjected to further curation. The score for this variant resulted in a classification of benign for this disease.

Illumina Laboratory Services, Illumina
Classification: Benign for Distal hereditary motor neuronopathy type 5. Last evaluated: 2018-01-12. Review status: criteria provided, single submitter. Criteria: ICSL Variant Classification Criteria 13 December 2019. Collection method: clinical testing. Allele origin: germline.
Comment: the same text as in the submission from Illumina Laboratory Services, Illumina above.

Illumina Laboratory Services, Illumina
Classification: Benign for Distal Spinal Muscular Atrophy. Last evaluated: 2018-01-12. Review status: criteria provided, single submitter. Criteria: ICSL Variant Classification Criteria 13 December 2019. Collection method: clinical testing. Allele origin: germline.
Comment: the same text as in the submission from Illumina Laboratory Services, Illumina above.

GeneDx
Classification: Benign. Last evaluated: 2016-02-22. Review status: criteria provided, single submitter. Criteria: GeneDx Variant Classification (06012015). Collection method: clinical testing. Allele origin: germline. Affected: yes.
Comment: This variant is considered likely benign or benign based on one or more of the following criteria: it is a conservative change, it occurs at a poorly conserved position in the protein, it is predicted to be benign by multiple in silico algorithms, and/or has population frequency not consistent with disease.

Molecular Genetics Laboratory, London Health Sciences Centre
Classification: Benign for Charcot-Marie-Tooth disease. Review status: criteria provided, single submitter. Criteria: ACMG Guidelines, 2015. Collection method: clinical testing. Allele origin: germline. Affected: yes.